The following is an entry in ClinVar:

ClinVar aggregate classification (germline): Uncertain significance (1 of 4 stars; one submission).

Conditions:
Catecholaminergic polymorphic ventricular tachycardia 1. Also called: RYR2-Related Catecholaminergic Polymorphic Ventricular Tachycardia; VENTRICULAR TACHYCARDIA, CATECHOLAMINERGIC POLYMORPHIC, 1, WITH OR WITHOUT ATRIAL DYSFUNCTION AND/OR DILATED CARDIOMYOPATHY; VENTRICULAR TACHYCARDIA, STRESS-INDUCED POLYMORPHIC 1. Identifiers: Orphanet 3286, MedGen C1631597, MONDO:0011484, OMIM 604772.

Submission:

Labcorp Genetics (formerly Invitae), Labcorp
Classification: Uncertain significance for Catecholaminergic polymorphic ventricular tachycardia 1. Last evaluated: 2019-06-21. Review status: criteria provided, single submitter. Criteria: Invitae Variant Classification Sherloc (09022015). Collection method: clinical testing. Allele origin: germline.
Comment: In summary, the available evidence is currently insufficient to determine the role of this variant in disease. Therefore, it has been classified as a Variant of Uncertain Significance. Algorithms developed to predict the effect of missense changes on protein structure and function are either unavailable or do not agree on the potential impact of this missense change (SIFT: "Deleterious"; PolyPhen-2: "Benign"; Align-GVGD: "Class C15"). This variant has not been reported in the literature in individuals with RYR2-related conditions. This variant is not present in population databases (ExAC no frequency). This sequence change replaces cysteine with tyrosine at codon 2991 of the RYR2 protein (p.Cys2991Tyr). The cysteine residue is highly conserved and there is a large physicochemical difference between cysteine and tyrosine.

NM_001035.3(RYR2):c.8972G>A (p.Cys2991Tyr)

Gene: RYR2 (ryanodine receptor 2; plus strand). Cytogenetic location: 1q43.
Variant type: single nucleotide variant.
Coding change: c.8972G>A on transcript NM_001035.3 (MANE Select); coding-DNA position 8972, G replaced by A.
Protein change: p.Cys2991Tyr; replaces cysteine 2991 with tyrosine.
Molecular consequence: missense variant.
Genome position (GRCh38, 1-based): chr1:237,680,532, G>A. VCF-style: chr1-237680532-G-A. GRCh37 (hg19) VCF-style: chr1-237843832-G-A.
Other names: short protein forms C2991Y.
Identifiers: ClinVar variation 939259 (VCV000939259.11), dbSNP rs1685782698, ClinGen allele CA345404497.